The following is an entry in ClinVar:

NM_000094.4(COL7A1):c.5172C>T (p.Arg1724=)

Gene: COL7A1 (collagen type VII alpha 1 chain; minus strand). Cytogenetic location: 3p21.31.
Variant type: single nucleotide variant.
Coding change: c.5172C>T on transcript NM_000094.4 (MANE Select); coding-DNA position 5172, C replaced by T.
Protein change: p.Arg1724=; no amino-acid change (arginine 1724 retained).
Molecular consequence: synonymous variant.
Genome position (GRCh38, 1-based): chr3:48,579,651, G>A on the plus strand (C>T on the coding strand, the complement: COL7A1 is on the minus strand). VCF-style: chr3-48579651-G-A. GRCh37 (hg19) VCF-style: chr3-48617084-G-A.
Identifiers: ClinVar variation 795981 (VCV000795981.31), dbSNP rs775290112, ClinGen allele CA2379621.

ClinVar aggregate classification (germline): Likely benign. Review status: criteria provided, multiple submitters, no conflicts (2 of 4 stars). 2 submissions from 2 submitters: Likely benign (2). Last evaluated 2025-07-19.

Allele frequency attached by ClinVar (database versions not stated): gnomAD 0.00001; gnomAD exomes 0.00003; TOPMed 0.00003; ExAC 0.00004.
gnomAD v4.1: 41 of 1,613,466 alleles (0.0025%); highest among the groups gnomAD compares: Middle Eastern, 0.016%; no homozygotes.

Submissions (2):

Labcorp Genetics (formerly Invitae), Labcorp
Classification: Likely benign. Last evaluated: 2025-07-19. Review status: criteria provided, single submitter. Criteria: Invitae Variant Classification Sherloc (09022015). Collection method: clinical testing. Allele origin: germline.

CeGaT Center for Human Genetics Tuebingen
Classification: Likely benign. Last evaluated: 2024-04-01. Review status: criteria provided, single submitter. Criteria: CeGaT Center For Human Genetics Tuebingen Variant Classification Criteria Version 2. Collection method: clinical testing. Allele origin: germline. Affected: yes. Observed: 2 variant alleles.
Comment: COL7A1: BP4, BP7